The following is an entry in ClinVar:

ClinVar aggregate classification (germline): Likely pathogenic (1 of 4 stars; one submission).

Conditions:
Cystinosis. Also called: Cystine diathesis; Cystine storage disease; Cystinoses. Identifiers: Orphanet 213, MedGen C4316899, MONDO:0016239.

Submission:

Women's Health and Genetics/Laboratory Corporation of America, LabCorp
Classification: Likely pathogenic for Cystinosis. Last evaluated: 2018-08-10. Review status: criteria provided, single submitter. Criteria: LabCorp Variant Classification Summary - May 2015. Collection method: clinical testing. Allele origin: germline.
Comment: Variant summary: CTNS c.423delC (p.Phe142SerfsX5) results in a premature termination codon, predicted to cause a truncation of the encoded protein or absence of the protein due to nonsense mediated decay, which are commonly known mechanisms for disease. A truncation downstream of this position, c.646dupA (p.Thr216fsX12) has been classified as pathogenic by our laboratory. The variant was absent in 246272 control chromosomes (gnomAD). The variant, c.423delC, has been reported in the literature in an compound heterozygote individual affected with Cystinosis (Attard_1999). To our knowledge, no experimental evidence demonstrating an impact on protein function has been reported. No clinical diagnostic laboratories have submitted clinical-significance assessments for this variant to ClinVar after 2014. Based on the evidence outlined above, the variant was classified as likely pathogenic.

Literature cited by the submitters: PubMed 10556299.

NM_004937.3(CTNS):c.423del (p.Phe142fs)

Genes: CTNS (cystinosin, lysosomal cystine transporter; plus strand), CTNS-AS1 (CTNS antisense RNA 1; minus strand). Cytogenetic location: 17p13.2.
Variant type: Deletion.
Coding change: c.423del on transcript NM_004937.3 (MANE Select); coding-DNA position 423, one base deleted (C; older notation c.423delC).
Protein change: p.Phe142fs; shifts the reading frame from phenylalanine 142.
Molecular consequence: frameshift variant. On other transcripts: 5 prime UTR variant (4).
Genome position (GRCh38, 1-based): chr17:3,655,314, C deleted; the last of 2 consecutive C bases (chr17:3,655,313-3,655,314); deleting either gives the same sequence. VCF-style (leftmost placement, unchanged base first): chr17-3655312-TC-T. GRCh37 (hg19) VCF-style: chr17-3558606-TC-T.
Other names: c.423del, p.Phe142fs (NM_001031681.3, NM_001374492.1); c.-19del (NM_001374493.1, NM_001374494.1, NM_001374495.1 and 1 more transcripts); short protein forms F142fs.
Identifiers: ClinVar variation 632779 (VCV000632779.1), dbSNP rs1567709909, ClinGen allele CA913190639.
Genomic context (GRCh38, chr17:3,655,312, plus strand): 5'-AGCGCCATTAGCATCATAAACCAGGTGATTGGCTGGATCTACTTTGTGGCCTGGTCCATC[TC>T]CTTCTACCCTCAGGTGATCATGAATTGGAGGCGGAAAAGGTAACCCCCTGGGCCGTATGT-3'